The following is an entry in ClinVar:

ClinVar aggregate classification (germline): Uncertain significance. Review status: criteria provided, multiple submitters, no conflicts (2 of 4 stars). 9 submissions from 9 submitters: Uncertain significance (9). Last evaluated 2025-06-11.

Conditions:
Inborn genetic diseases. Identifiers: MedGen C0950123, MeSH D030342.
Succinate-semialdehyde dehydrogenase deficiency (SSADHD). Also called: SSADH DEFICIENCY; 4-HYDROXYBUTYRIC ACIDURIA; GABA METABOLIC DEFECT; Succinic Semialdehyde Dehydrogenase Deficiency. Identifiers: Orphanet 22, MedGen C0268631, MONDO:0010083, OMIM 271980.

Allele frequency attached by ClinVar (database versions not stated): TOPMed 0.00017; gnomAD 0.00019 and 0.00021; gnomAD exomes 0.00008; ExAC 0.00011.
gnomAD v4.1: 199 of 1,357,072 alleles (0.015%); highest among the groups gnomAD compares: Non-Finnish European, 0.017%; no homozygotes.

Submissions (9):

GeneDx
Classification: Uncertain significance. Last evaluated: 2025-06-11. Review status: criteria provided, single submitter. Criteria: GeneDx Variant Classification Process June 2021. Collection method: clinical testing. Allele origin: germline. Affected: yes.
Comment: In silico analysis suggests that this missense variant does not alter protein structure/function; Reported previously as a heterozygous variant of uncertain significance in a patient with intellectual disability; however, the patient also harbored a heterozygous variants in different genes and no further clinical information was provided (PMID: 30091983); This variant is associated with the following publications: (PMID: 30091983)

CeGaT Center for Human Genetics Tuebingen
Classification: Uncertain significance. Last evaluated: 2025-04-01. Review status: criteria provided, single submitter. Criteria: CeGaT Center For Human Genetics Tuebingen Variant Classification Criteria Version 2. Collection method: clinical testing. Allele origin: germline. Affected: yes. Observed: 1 variant allele.

Labcorp Genetics (formerly Invitae), Labcorp
Classification: Uncertain significance for Succinate-semialdehyde dehydrogenase deficiency. Last evaluated: 2025-01-06. Review status: criteria provided, single submitter. Criteria: Invitae Variant Classification Sherloc (09022015). Collection method: clinical testing. Allele origin: germline.
Comment: This sequence change replaces serine, which is neutral and polar, with leucine, which is neutral and non-polar, at codon 17 of the ALDH5A1 protein (p.Ser17Leu). The frequency data for this variant in the population databases is considered unreliable, as metrics indicate poor data quality at this position in the gnomAD database. This missense change has been observed in individual(s) with intellectual disability, developmental delay and/or multiple congenital anomalies (PMID: 30091983). ClinVar contains an entry for this variant (Variation ID: 284542). Invitae Evidence Modeling of protein sequence and biophysical properties (such as structural, functional, and spatial information, amino acid conservation, physicochemical variation, residue mobility, and thermodynamic stability) indicates that this missense variant is not expected to disrupt ALDH5A1 protein function with a negative predictive value of 95%. In summary, the available evidence is currently insufficient to determine the role of this variant in disease. Therefore, it has been classified as a Variant of Uncertain Significance.

Blueprint Genetics
Classification: Uncertain significance. Last evaluated: 2024-11-19. Review status: criteria provided, single submitter. Criteria: ACMG Guidelines, 2015. Collection method: clinical testing. Allele origin: germline.

Ambry Genetics
Classification: Uncertain significance for Inborn genetic diseases. Last evaluated: 2022-05-04. Review status: criteria provided, single submitter. Criteria: Ambry Variant Classification Scheme 2023. Collection method: clinical testing. Allele origin: germline.

Fulgent Genetics
Classification: Uncertain significance for Succinate-semialdehyde dehydrogenase deficiency. Last evaluated: 2022-01-14. Review status: criteria provided, single submitter. Criteria: ACMG Guidelines, 2015. Collection method: clinical testing. Allele origin: unknown.

Baylor Genetics
Classification: Uncertain significance for Succinate-semialdehyde dehydrogenase deficiency. Last evaluated: 2019-03-07. Review status: criteria provided, single submitter. Criteria: ACMG Guidelines, 2015. Collection method: clinical testing. Allele origin: paternal. Affected: yes.
Comment: This variant was determined to be of uncertain significance according to ACMG Guidelines, 2015 [PMID:25741868].

Illumina Laboratory Services, Illumina
Classification: Uncertain significance for Succinate-semialdehyde dehydrogenase deficiency. Last evaluated: 2018-01-13. Review status: criteria provided, single submitter. Criteria: ICSL Variant Classification Criteria 13 December 2019. Collection method: clinical testing. Allele origin: germline.

Eurofins Ntd Llc (ga)
Classification: Uncertain significance. Last evaluated: 2015-11-23. Review status: criteria provided, single submitter. Criteria: EGL Classification Definitions 2015. Collection method: clinical testing. Allele origin: germline. Observed: 1 variant allele, 1 heterozygote.

Literature cited by the submitters: PubMed 30091983 (cited by Labcorp Genetics (formerly Invitae), Labcorp).

NM_001080.3(ALDH5A1):c.50C>T (p.Ser17Leu)

Genes: ALDH5A1 (aldehyde dehydrogenase 5 family member A1; plus strand), GPLD1 (glycosylphosphatidylinositol specific phospholipase D1; minus strand), LOC129995978 (ATAC-STARR-seq lymphoblastoid silent region 16989; plus strand). Cytogenetic location: 6p22.3.
Variant type: single nucleotide variant.
Coding change: c.50C>T on transcript NM_001080.3 (MANE Select); coding-DNA position 50, C replaced by T.
Protein change: p.Ser17Leu; replaces serine 17 with leucine.
Molecular consequence: missense variant.
Genome position (GRCh38, 1-based): chr6:24,495,046, C>T. VCF-style: chr6-24495046-C-T. GRCh37 (hg19) VCF-style: chr6-24495274-C-T.
Other names: c.50C>T, p.Ser17Leu (NM_001368954.1, NM_170740.1); short protein forms S17L.
Identifiers: ClinVar variation 284542 (VCV000284542.40), dbSNP rs753168976, ClinGen allele CA3656563.
Genomic context (GRCh38, chr6:24,495,046, plus strand): 5'-TTGCCCGGGCCATGGCGACCTGCATTTGGCTGCGGAGCTGTGGGGCCCGGCGCCTCGGGT[C>T]GACGTTTCCAGGCTGCCGCCTCCGCCCCCGCGCCGGCGGCCTGGTCCCTGCCTCCGGGCC-3'
Protein context (NP_001071.1, residues 7-27): LRSCGARRLG[Ser17Leu]TFPGCRLRPR